The following is an entry in ClinVar:

NM_001620.3(AHNAK):c.11602A>G (p.Ile3868Val)

Gene: AHNAK (AHNAK nucleoprotein; minus strand). Cytogenetic location: 11q12.3.
Variant type: single nucleotide variant.
Coding change: c.11602A>G on transcript NM_001620.3 (MANE Select); coding-DNA position 11602, A replaced by G.
Protein change: p.Ile3868Val; replaces isoleucine 3868 with valine.
Molecular consequence: missense variant. On other transcripts: intron variant (1).
Genome position (GRCh38, 1-based): chr11:62,522,815, T>C on the plus strand (A>G on the coding strand, the complement: AHNAK is on the minus strand). VCF-style: chr11-62522815-T-C. GRCh37 (hg19) VCF-style: chr11-62290287-T-C.
Other names: c.11602A>G, p.Ile3868Val (NM_001346445.2, NM_001346446.2); c.342+12188A>G (NM_024060.4); short protein forms I3868V.
Identifiers: ClinVar variation 3388079 (VCV003388079.14).

ClinVar aggregate classification (germline): Likely benign (1 of 4 stars; one submission).

gnomAD v4.1: 1,485 of 1,613,742 alleles (0.092%); highest among the groups gnomAD compares: Non-Finnish European, 0.12%; no homozygotes.

Submission:

CeGaT Center for Human Genetics Tuebingen
Classification: Likely benign. Last evaluated: 2024-10-01. Review status: criteria provided, single submitter. Criteria: CeGaT Center For Human Genetics Tuebingen Variant Classification Criteria Version 2. Collection method: clinical testing. Allele origin: germline. Affected: yes. Observed: 1 variant allele.
Comment: AHNAK: BP4, BS1